The following is an entry in ClinVar:

ClinVar aggregate classification (germline): Conflicting classifications of pathogenicity. Review status: criteria provided, conflicting classifications (1 of 4 stars). 3 submissions from 3 submitters: Uncertain significance (2); Likely benign (1). Last evaluated 2024-07-21.

Conditions:
Inborn genetic diseases. Identifiers: MedGen C0950123, MeSH D030342.
Epidermolysis bullosa simplex, Ogna type (EBS5A). Also called: Pidermolysis bullosa simplex 5A, Ogna type; EPIDERMOLYSIS BULLOSA SIMPLEX 5A, OGNA TYPE. Identifiers: Orphanet 79401, MedGen C0432317, MONDO:0007555, OMIM 131950.
Autosomal recessive limb-girdle muscular dystrophy type 2Q (LGMDR17). Also called: MUSCULAR DYSTROPHY, LIMB-GIRDLE, AUTOSOMAL RECESSIVE 17. Identifiers: Orphanet 254361, MedGen C3150989, MONDO:0013390, OMIM 613723.
Epidermolysis bullosa simplex 5C, with pyloric atresia (EBS5C). Also called: PLEC-Related Epidermolysis Bullosa with Pyloric Atresia; Epidermolysis bullosa simplex with pyloric atresia; PLEC1-Related Epidermolysis Bullosa with Pyloric Atresia. Identifiers: Orphanet 158684, MedGen C2677349, MONDO:0012807, OMIM 612138.
Epidermolysis bullosa simplex 5B, with muscular dystrophy (EBS5B). Also called: EPIDERMOLYSIS BULLOSA SIMPLEX AND LIMB-GIRDLE MUSCULAR DYSTROPHY; Epidermolysis bullosa simplex with muscular dystrophy. Identifiers: Orphanet 257, MedGen C2931072, MONDO:0009181, OMIM 226670.
Epidermolysis bullosa simplex with nail dystrophy (EBS5D). Identifiers: MedGen C4225309, MONDO:0014661, OMIM 616487.

Allele frequency attached by ClinVar (database versions not stated): gnomAD 0.00001; ExAC 0.00002; TOPMed 0.00004.
gnomAD v4.1: 14 of 1,593,776 alleles (0.00088%); highest among the groups gnomAD compares: African/African-American, 0.0027%; no homozygotes.

Submissions (3):

GeneDx
Classification: Uncertain significance. Last evaluated: 2024-07-21. Review status: criteria provided, single submitter. Criteria: GeneDx Variant Classification Process June 2021. Collection method: clinical testing. Allele origin: germline. Affected: yes.
Comment: Not observed at significant frequency in large population cohorts (gnomAD); In silico analysis indicates that this missense variant does not alter protein structure/function; Has not been previously published as pathogenic or benign to our knowledge

Ambry Genetics
Classification: Likely benign for Inborn genetic diseases. Last evaluated: 2023-04-07. Review status: criteria provided, single submitter. Criteria: Ambry Variant Classification Scheme 2023. Collection method: clinical testing. Allele origin: germline.

Labcorp Genetics (formerly Invitae), Labcorp
Classification: Uncertain significance for Autosomal recessive limb-girdle muscular dystrophy type 2Q; Epidermolysis bullosa simplex, Ogna type; Epidermolysis bullosa simplex with nail dystrophy; Epidermolysis bullosa simplex 5C, with pyloric atresia; Epidermolysis bullosa simplex 5B, with muscular dystrophy. Last evaluated: 2022-04-10. Review status: criteria provided, single submitter. Criteria: Invitae Variant Classification Sherloc (09022015). Collection method: clinical testing. Allele origin: germline.
Comment: In summary, the available evidence is currently insufficient to determine the role of this variant in disease. Therefore, it has been classified as a Variant of Uncertain Significance. This sequence change replaces glycine, which is neutral and non-polar, with serine, which is neutral and polar, at codon 1870 of the PLEC protein (p.Gly1870Ser). The frequency data for this variant in the population databases is considered unreliable, as metrics indicate poor data quality at this position in the gnomAD database. This variant has not been reported in the literature in individuals affected with PLEC-related conditions. ClinVar contains an entry for this variant (Variation ID: 567373). Algorithms developed to predict the effect of missense changes on protein structure and function output the following: SIFT: "Tolerated"; PolyPhen-2: "Not Available"; Align-GVGD: "Class C0". The serine amino acid residue is found in multiple mammalian species, which suggests that this missense change does not adversely affect protein function.

NM_201384.3(PLEC):c.5527G>A (p.Gly1843Ser)

Gene: PLEC (plectin; minus strand). Cytogenetic location: 8q24.3.
Variant type: single nucleotide variant.
Coding change: c.5527G>A on transcript NM_201384.3 (MANE Select); coding-DNA position 5527, G replaced by A.
Protein change: p.Gly1843Ser; replaces glycine 1843 with serine.
Molecular consequence: missense variant.
Genome position (GRCh38, 1-based): chr8:143,924,402, C>T on the plus strand (G>A on the coding strand, the complement: PLEC is on the minus strand). VCF-style: chr8-143924402-C-T. GRCh37 (hg19) VCF-style: chr8-144998570-C-T.
Other names: c.5608G>A, p.Gly1870Ser (NM_000445.5); c.5485G>A, p.Gly1829Ser (NM_201378.4); c.5461G>A, p.Gly1821Ser (NM_201379.3); c.5938G>A, p.Gly1980Ser (NM_201380.4); c.5431G>A, p.Gly1811Ser (NM_201381.3); c.5527G>A, p.Gly1843Ser (NM_201382.4); c.5539G>A, p.Gly1847Ser (NM_201383.3); c.5608G>A (NM_000445.3); short protein forms G1980S, G1870S, G1811S, G1843S, G1821S, G1829S, G1847S.
Identifiers: ClinVar variation 567373 (VCV000567373.8), dbSNP rs781804005, ClinGen allele CA4926336.